The following is an entry in ClinVar:

ClinVar aggregate classification (germline): Uncertain significance (1 of 4 stars; one submission).

Allele frequency attached by ClinVar (database versions not stated): gnomAD exomes below 0.00001.

Submission:

Labcorp Genetics (formerly Invitae), Labcorp
Classification: Uncertain significance. Last evaluated: 2022-02-04. Review status: criteria provided, single submitter. Criteria: Invitae Variant Classification Sherloc (09022015). Collection method: clinical testing. Allele origin: germline.
Comment: This sequence change replaces tyrosine, which is neutral and polar, with histidine, which is basic and polar, at codon 137 of the TMPRSS3 protein (p.Tyr137His). This variant is present in population databases (no rsID available, gnomAD 0.003%). This variant has not been reported in the literature in individuals affected with TMPRSS3-related conditions. Advanced modeling of protein sequence and biophysical properties (such as structural, functional, and spatial information, amino acid conservation, physicochemical variation, residue mobility, and thermodynamic stability) performed at Invitae indicates that this missense variant is not expected to disrupt TMPRSS3 protein function. In summary, the available evidence is currently insufficient to determine the role of this variant in disease. Therefore, it has been classified as a Variant of Uncertain Significance.

NM_001256317.3(TMPRSS3):c.409T>C (p.Tyr137His)

Gene: TMPRSS3 (transmembrane serine protease 3; minus strand). Cytogenetic location: 21q22.3.
Variant type: single nucleotide variant.
Coding change: c.409T>C on transcript NM_001256317.3 (MANE Select); coding-DNA position 409, T replaced by C.
Protein change: p.Tyr137His; replaces tyrosine 137 with histidine.
Molecular consequence: missense variant.
Genome position (GRCh38, 1-based): chr21:42,388,440, A>G on the plus strand (T>C on the coding strand, the complement: TMPRSS3 is on the minus strand). VCF-style: chr21-42388440-A-G. GRCh37 (hg19) VCF-style: chr21-43808549-A-G.
Other names: c.409T>C, p.Tyr137His (NM_024022.4, NM_032405.2); c.28T>C, p.Tyr10His (NM_032404.3); short protein forms Y137H, Y10H.
Identifiers: ClinVar variation 1477557 (VCV001477557.5), dbSNP rs1220592083, ClinGen allele CA410375354.